The following is an entry in ClinVar:

ClinVar aggregate classification (germline): Uncertain significance (1 of 4 stars; one submission).

Conditions:
Hyperekplexia 2 (HKPX2). Identifiers: Orphanet 3197, MedGen C3553291, MONDO:0013828, OMIM 614619.

Allele frequency attached by ClinVar (database versions not stated): gnomAD 0.00001.
gnomAD v4.1: 1 of 1,610,548 alleles (0.000062%); highest among the groups gnomAD compares: Admixed American, 0.0017%; no homozygotes.

Submission:

Labcorp Genetics (formerly Invitae), Labcorp
Classification: Uncertain significance for Hyperekplexia 2. Last evaluated: 2022-10-22. Review status: criteria provided, single submitter. Criteria: Invitae Variant Classification Sherloc (09022015). Collection method: clinical testing. Allele origin: germline.
Comment: In summary, the available evidence is currently insufficient to determine the role of this variant in disease. Therefore, it has been classified as a Variant of Uncertain Significance. Advanced modeling of protein sequence and biophysical properties (such as structural, functional, and spatial information, amino acid conservation, physicochemical variation, residue mobility, and thermodynamic stability) performed at Invitae indicates that this missense variant is not expected to disrupt GLRB protein function. This variant has not been reported in the literature in individuals affected with GLRB-related conditions. This variant is not present in population databases (gnomAD no frequency). This sequence change replaces isoleucine, which is neutral and non-polar, with valine, which is neutral and non-polar, at codon 473 of the GLRB protein (p.Ile473Val).

NM_000824.5(GLRB):c.1417A>G (p.Ile473Val)

Gene: GLRB (glycine receptor beta; plus strand). Cytogenetic location: 4q32.1.
Variant type: single nucleotide variant.
Coding change: c.1417A>G on transcript NM_000824.5 (MANE Select); coding-DNA position 1417, A replaced by G.
Protein change: p.Ile473Val; replaces isoleucine 473 with valine.
Molecular consequence: missense variant. On other transcripts: 3 prime UTR variant (1).
Genome position (GRCh38, 1-based): chr4:157,170,651, A>G. VCF-style: chr4-157170651-A-G. GRCh37 (hg19) VCF-style: chr4-158091803-A-G.
Other names: c.1417A>G, p.Ile473Val (NM_001166060.2); c.*212A>G (NM_001166061.2); short protein forms I473V.
Identifiers: ClinVar variation 1903248 (VCV001903248.3), dbSNP rs1737886459, ClinGen allele CA358645339.
Genomic context (GRCh38, chr4:157,170,651, plus strand): 5'-GCTAAGAACAACAAGAAGCCTCCCCCTGCGAAACCTGTTATTCCAACAGCAGCAAAGCGA[A>G]TTGATCTTTATGCAAGAGCATTGTTTCCTTTCTGCTTCTTGTTCTTCAATGTTATATATT-3'
Protein context (NP_000815.1, residues 463-483): KPVIPTAAKR[Ile473Val]DLYARALFPF